The following is an entry in ClinVar:

NM_024577.4(SH3TC2):c.82G>C (p.Val28Leu)

Gene: SH3TC2 (SH3 domain and tetratricopeptide repeats 2; minus strand). Cytogenetic location: 5q32.
Variant type: single nucleotide variant.
Coding change: c.82G>C on transcript NM_024577.4 (MANE Select); coding-DNA position 82, G replaced by C.
Protein change: p.Val28Leu; replaces valine 28 with leucine.
Molecular consequence: missense variant.
Genome position (GRCh38, 1-based): chr5:149,052,211, C>G on the plus strand (G>C on the coding strand, the complement: SH3TC2 is on the minus strand). VCF-style: chr5-149052211-C-G. GRCh37 (hg19) VCF-style: chr5-148431774-C-G.
Other names: short protein forms V28L.
Identifiers: ClinVar variation 543357 (VCV000543357.9), dbSNP rs1399431033, ClinGen allele CA361681647.

ClinVar aggregate classification (germline): Uncertain significance. Review status: criteria provided, multiple submitters, no conflicts (2 of 4 stars). 3 submissions from 3 submitters: Uncertain significance (3). Last evaluated 2022-09-26.

Conditions:
Charcot-Marie-Tooth disease type 4. Also called: Charcot-Marie-Tooth, Type 4; Charcot-Marie-Tooth disease, type IV. Identifiers: Orphanet 64749, MedGen C4082197, MONDO:0018995.
Inborn genetic diseases. Identifiers: MedGen C0950123, MeSH D030342.

Allele frequency attached by ClinVar (database versions not stated): gnomAD exomes below 0.00001 and 0.00001; gnomAD 0.00001; TOPMed 0.00002.
gnomAD v4.1: 4 of 1,613,116 alleles (0.00025%); highest among the groups gnomAD compares: Non-Finnish European, 0.00034%; no homozygotes.

Submissions (3):

Athena Diagnostics
Classification: Uncertain significance. Last evaluated: 2022-09-26. Review status: criteria provided, single submitter. Criteria: Athena Diagnostics Criteria. Collection method: clinical testing. Allele origin: unknown.
Comment: Available data are insufficient to determine the clinical significance of the variant at this time. The frequency of this variant in the general population is uninformative in assessment of its pathogenicity. Computational tools predict that this variant is not damaging.

Labcorp Genetics (formerly Invitae), Labcorp
Classification: Uncertain significance for Charcot-Marie-Tooth disease type 4. Last evaluated: 2021-08-27. Review status: criteria provided, single submitter. Criteria: Invitae Variant Classification Sherloc (09022015). Collection method: clinical testing. Allele origin: germline.
Comment: This sequence change replaces valine with leucine at codon 28 of the SH3TC2 protein (p.Val28Leu). The valine residue is weakly conserved and there is a small physicochemical difference between valine and leucine. This variant is not present in population databases (ExAC no frequency). This variant has not been reported in the literature in individuals affected with SH3TC2-related conditions. Algorithms developed to predict the effect of missense changes on protein structure and function output the following: SIFT: "Tolerated"; PolyPhen-2: "Benign"; Align-GVGD: "Class C0". The leucine amino acid residue is found in multiple mammalian species, which suggests that this missense change does not adversely affect protein function. In summary, the available evidence is currently insufficient to determine the role of this variant in disease. Therefore, it has been classified as a Variant of Uncertain Significance.

Ambry Genetics
Classification: Uncertain significance for Inborn genetic diseases. Last evaluated: 2020-10-11. Review status: criteria provided, single submitter. Criteria: Ambry Variant Classification Scheme 2023. Collection method: clinical testing. Allele origin: germline.
Comment: The p.V28L variant (also known as c.82G>C), located in coding exon 2 of the SH3TC2 gene, results from a G to C substitution at nucleotide position 82. The valine at codon 28 is replaced by leucine, an amino acid with highly similar properties. This amino acid position is poorly conserved in available vertebrate species. In addition, this alteration is predicted to be tolerated by in silico analysis. Since supporting evidence is limited at this time, the clinical significance of this alteration remains unclear.

Literature cited by the submitters: PubMed 25614874 (cited by Athena Diagnostics).